The following is an entry in ClinVar:

ClinVar aggregate classification (germline): Uncertain significance (1 of 4 stars; one submission).

Conditions:
PPARG-related disorder. Also called: PPARG-related condition; PPARG-related disorders.

gnomAD v4.1: 11 of 1,614,000 alleles (0.00068%); highest among the groups gnomAD compares: Admixed American, 0.0017%; no homozygotes.

Submission:

PreventionGenetics, part of Exact Sciences
Classification: Uncertain significance for PPARG-related condition. Last evaluated: 2026-06-16. Review status: criteria provided, single submitter. Criteria: ACMG Guidelines, 2015. Collection method: clinical testing. Allele origin: germline.
Comment: The PPARG c.718C>T variant is predicted to result in the amino acid substitution p.Arg240Trp. To our knowledge, this variant has not been reported in the literature. This variant is reported in 0.0033% of alleles in individuals of South Asian descent in gnomAD. At this time, the clinical significance of this variant is uncertain due to the absence of conclusive functional and genetic evidence.

NM_138711.6(PPARG):c.628C>T (p.Arg210Trp)

Genes: PPARG (peroxisome proliferator activated receptor gamma; plus strand), LOC114803475 (PPARG eExon liver enhancer; plus strand). Cytogenetic location: 3p25.2.
Variant type: single nucleotide variant.
Coding change: c.628C>T on transcript NM_138711.6 (MANE Select); coding-DNA position 628, C replaced by T.
Protein change: p.Arg210Trp; replaces arginine 210 with tryptophan.
Molecular consequence: missense variant. On other transcripts: intron variant (1).
Genome position (GRCh38, 1-based): chr3:12,405,980, C>T. VCF-style: chr3-12405980-C-T. GRCh37 (hg19) VCF-style: chr3-12447479-C-T.
Other names: c.628C>T, p.Arg210Trp (NM_001330615.4, NM_001354666.3, NM_001354667.3 and 6 more transcripts); c.718C>T, p.Arg240Trp (NM_001354668.2, NM_001374265.1, NM_015869.5); c.634C>T, p.Arg212Trp (NM_001354670.2, NM_001374266.1); c.103-10724C>T (NM_001354669.2); short protein forms R212W, R240W, R210W.
Identifiers: ClinVar variation 4981652 (VCV004981652.1).
Genomic context (GRCh38, chr3:12,405,980, plus strand): 5'-AAGCTGTTGGCGGAGATCTCCAGTGATATCGACCAGCTGAATCCAGAGTCCGCTGACCTC[C>T]GGGCCCTGGCAAAACATTTGTATGACTCATACATAAAGTCCTTCCCGCTGACCAAAGCAA-3'
Protein context (NP_619725.3, residues 200-220): DQLNPESADL[Arg210Trp]ALAKHLYDSY